The following is an entry in ClinVar:

ClinVar aggregate classification (germline): Likely benign (0 of 4 stars; one submission).

Conditions:
DMBT1-related disorder. Also called: DMBT1-related condition.

Allele frequency attached by ClinVar (database versions not stated): ExAC 0.00002; gnomAD exomes 0.00002; TOPMed 0.00005; gnomAD 0.00007; ESP Exome Variant Server 0.00008.
gnomAD v4.1: 35 of 1,613,874 alleles (0.0022%); highest among the groups gnomAD compares: African/African-American, 0.024%; no homozygotes.

Submission:

PreventionGenetics, part of Exact Sciences
Classification: Likely benign for DMBT1-related condition. Last evaluated: 2019-03-14. Review status: no assertion criteria provided. Collection method: clinical testing. Allele origin: germline.
Comment: This variant is classified as likely benign based on ACMG/AMP sequence variant interpretation guidelines (Richards et al. 2015 PMID: 25741868, with internal and published modifications).

NM_001377530.1(DMBT1):c.6261G>A (p.Thr2087=)

Gene: DMBT1 (deleted in malignant brain tumors 1; plus strand). Cytogenetic location: 10q26.13.
Variant type: single nucleotide variant.
Coding change: c.6261G>A on transcript NM_001377530.1 (MANE Select); coding-DNA position 6261, G replaced by A.
Protein change: p.Thr2087=; no amino-acid change (threonine 2087 retained).
Molecular consequence: synonymous variant.
Genome position (GRCh38, 1-based): chr10:122,631,196, G>A. VCF-style: chr10-122631196-G-A. GRCh37 (hg19) VCF-style: chr10-124390712-G-A.
Other names: c.5874G>A, p.Thr1958= (NM_001320644.2, NM_007329.3); c.3990G>A, p.Thr1330= (NM_004406.3); c.5844G>A, p.Thr1948= (NM_017579.3).
Identifiers: ClinVar variation 3041122 (VCV003041122.2), dbSNP rs372991622, ClinGen allele CA5728184.